The following is an entry in ClinVar:

ClinVar aggregate classification (germline): Likely benign. Review status: criteria provided, multiple submitters, no conflicts (2 of 4 stars). 4 submissions from 4 submitters: Likely benign (4). Last evaluated 2026-06-01.

Conditions:
COL18A1-related disorder. Also called: COL18A1-related condition; COL18A1-related disorders.

gnomAD v4.1: 4 of 878,284 alleles (0.00046%); highest among the groups gnomAD compares: Non-Finnish European, 0.00067%; no homozygotes.

Submissions (10):

CeGaT Center for Human Genetics Tuebingen
Classification: Likely benign. Last evaluated: 2026-06-01. Review status: criteria provided, single submitter. Criteria: CeGaT Center For Human Genetics Tuebingen Variant Classification Criteria Version 2. Collection method: clinical testing. Allele origin: germline. Affected: yes. Observed: 2 variant alleles.
Comment: COL18A1: BP7

Labcorp Genetics (formerly Invitae), Labcorp
Classification: Likely benign. Last evaluated: 2026-01-28. Review status: criteria provided, single submitter. Criteria: Invitae Variant Classification Sherloc (09022015). Collection method: clinical testing. Allele origin: germline.

PreventionGenetics, part of Exact Sciences
Classification: Likely benign for COL18A1-related condition. Last evaluated: 2019-12-19. Review status: criteria provided, single submitter. Criteria: ACMG Guidelines, 2015. Collection method: clinical testing. Allele origin: germline.
Comment: This variant is classified as likely benign based on ACMG/AMP sequence variant interpretation guidelines (Richards et al. 2015 PMID: 25741868, with internal and published modifications).

Breakthrough Genomics
Classification: Likely benign. Review status: criteria provided, single submitter. Criteria: ACMG Guidelines, 2015. Collection method: not provided. Allele origin: germline. Inheritance: Autosomal recessive inheritance. Affected: yes.

Dr. Peter K. Rogan Lab, Western University
No classification provided (evidence only). Condition: Clear cell carcinoma of kidney. Review status: no classification provided. Collection method: in vitro. Allele origin: not applicable. Functional consequence: retained intron. Not counted in ClinVar's aggregate classification.

Dr. Peter K. Rogan Lab, Western University
No classification provided (evidence only). Condition: Clear cell carcinoma of kidney. Review status: no classification provided. Collection method: in vitro. Allele origin: not applicable. Functional consequence: retained intron. Not counted in ClinVar's aggregate classification.

Dr. Peter K. Rogan Lab, Western University
No classification provided (evidence only). Condition: Hepatocellular carcinoma. Review status: no classification provided. Collection method: in vitro. Allele origin: not applicable. Functional consequence: retained intron. Not counted in ClinVar's aggregate classification.

Dr. Peter K. Rogan Lab, Western University
No classification provided (evidence only). Condition: Gastric cancer. Review status: no classification provided. Collection method: in vitro. Allele origin: not applicable. Functional consequence: retained intron. Not counted in ClinVar's aggregate classification.

Dr. Peter K. Rogan Lab, Western University
No classification provided (evidence only). Condition: Malignant tumor of esophagus. Review status: no classification provided. Collection method: in vitro. Allele origin: not applicable. Functional consequence: retained intron. Not counted in ClinVar's aggregate classification.

Dr. Peter K. Rogan Lab, Western University
No classification provided (evidence only). Condition: Malignant tumor of esophagus. Review status: no classification provided. Collection method: in vitro. Allele origin: not applicable. Functional consequence: retained intron. Not counted in ClinVar's aggregate classification.

NM_001379500.1(COL18A1):c.2832A>C (p.Pro944=)

Genes: COL18A1 (collagen type XVIII alpha 1 chain; plus strand), SLC19A1 (solute carrier family 19 member 1; minus strand). Cytogenetic location: 21q22.3.
Variant type: single nucleotide variant.
Coding change: c.2832A>C on transcript NM_001379500.1 (MANE Select); coding-DNA position 2832, A replaced by C.
Protein change: p.Pro944=; no amino-acid change (proline 944 retained).
Molecular consequence: synonymous variant.
Genome position (GRCh38, 1-based): chr21:45,504,529, A>C. VCF-style: chr21-45504529-A-C. GRCh37 (hg19) VCF-style: chr21-46924443-A-C.
Other names: NC_000021.8:g.46924434A>C; c.3372A>C, p.Pro1124= (NM_030582.4); c.4077A>C, p.Pro1359= (NM_130444.3); c.3372A>C (NM_030582.3).
Identifiers: ClinVar variation 340260 (VCV000340260.38), dbSNP rs751825604, ClinGen allele CA10650647.
Genomic context (GRCh38, chr21:45,504,529, plus strand): 5'-CGGGGGCGGCGGTTTCTTCGGCTCCAGCCTGCCCGGCCCCCCCGGCCCCCCAGGCCCCCC[A>C]GGCCCACGTGGCTACCCTGGGATTCCAGTAAGTCCCAGCCTGTGCAGGCAGAGCCCATGT-3'
Protein context (NP_001366429.1, residues 934-954): GSSLPGPPGP[Pro944=]GPPGPRGYPG